The following is an entry in ClinVar:

NM_001242957.3(MAK):c.1647T>C (p.Phe549=)

Gene: MAK (male germ cell associated kinase; minus strand). Cytogenetic location: 6p24.2.
Variant type: single nucleotide variant.
Coding change: c.1647T>C on transcript NM_001242957.3 (MANE Select); coding-DNA position 1647, T replaced by C.
Protein change: p.Phe549=; no amino-acid change (phenylalanine 549 retained).
Molecular consequence: synonymous variant. On other transcripts: intron variant (3).
Genome position (GRCh38, 1-based): chr6:10,773,059, A>G on the plus strand (T>C on the coding strand, the complement: MAK is on the minus strand). VCF-style: chr6-10773059-A-G. GRCh37 (hg19) VCF-style: chr6-10773292-A-G.
Other names: c.1647T>C (NM_001242957.2); c.1495+2269T>C (NM_001377262.1); c.1597+2269T>C (NM_005906.6, NM_001242385.2).
Identifiers: ClinVar variation 1139701 (VCV001139701.10), dbSNP rs1014087976, ClinGen allele CA134100497.

ClinVar aggregate classification (germline): Likely benign. Review status: criteria provided, multiple submitters, no conflicts (2 of 4 stars). 2 submissions from 2 submitters: Likely benign (2). Last evaluated 2026-01-12.

Conditions:
MAK-related disorder. Also called: MAK-related condition.

Allele frequency attached by ClinVar (database versions not stated): gnomAD 0.00001; gnomAD exomes 0.00001; TOPMed 0.00002.
gnomAD v4.1: 14 of 1,532,178 alleles (0.00091%); highest among the groups gnomAD compares: African/African-American, 0.0027%; no homozygotes.

Submissions (2):

Labcorp Genetics (formerly Invitae), Labcorp
Classification: Likely benign. Last evaluated: 2026-01-12. Review status: criteria provided, single submitter. Criteria: Invitae Variant Classification Sherloc (09022015). Collection method: clinical testing. Allele origin: germline.

PreventionGenetics, part of Exact Sciences
Classification: Likely benign for MAK-related condition. Last evaluated: 2025-01-17. Review status: criteria provided, single submitter. Criteria: ACMG Guidelines, 2015. Collection method: clinical testing. Allele origin: germline.
Comment: This variant is classified as likely benign based on ACMG/AMP sequence variant interpretation guidelines (Richards et al. 2015 PMID: 25741868, with internal and published modifications).